The following is an entry in ClinVar:

ClinVar aggregate classification (germline): Uncertain significance. Review status: criteria provided, multiple submitters, no conflicts (2 of 4 stars). 2 submissions from 2 submitters: Uncertain significance (2). Last evaluated 2024-01-25.

Submissions (2):

GeneDx
Classification: Uncertain significance. Last evaluated: 2024-01-25. Review status: criteria provided, single submitter. Criteria: GeneDx Variant Classification Process June 2021. Collection method: clinical testing. Allele origin: germline. Affected: yes.
Comment: Not observed at significant frequency in large population cohorts (gnomAD); In silico analysis supports that this missense variant has a deleterious effect on protein structure/function; This variant is associated with the following publications: (PMID: 32816195)

CeGaT Center for Human Genetics Tuebingen
Classification: Uncertain significance. Last evaluated: 2018-11-01. Review status: criteria provided, single submitter. Criteria: CeGaT Center For Human Genetics Tuebingen Variant Classification Criteria Version 2. Collection method: clinical testing. Allele origin: germline. Affected: yes. Observed: 1 variant allele.

NM_001127222.2(CACNA1A):c.920C>T (p.Ala307Val)

Gene: CACNA1A (calcium voltage-gated channel subunit alpha1 A; minus strand). Cytogenetic location: 19p13.13.
Variant type: single nucleotide variant.
Coding change: c.920C>T on transcript NM_001127222.2 (MANE Select); coding-DNA position 920, C replaced by T.
Protein change: p.Ala307Val; replaces alanine 307 with valine.
Molecular consequence: missense variant.
Genome position (GRCh38, 1-based): chr19:13,359,664, G>A on the plus strand (C>T on the coding strand, the complement: CACNA1A is on the minus strand). VCF-style: chr19-13359664-G-A. GRCh37 (hg19) VCF-style: chr19-13470478-G-A.
Other names: c.920C>T (NM_001127221.1); c.920C>T, p.Ala307Val (NM_000068.4, NM_001127221.2, NM_001174080.2 and 1 more transcripts); short protein forms A307V.
Identifiers: ClinVar variation 808481 (VCV000808481.42), dbSNP rs1599276891, ClinGen allele CA404347068.